The following is an entry in ClinVar:

ClinVar aggregate classification (germline): Uncertain significance. Review status: criteria provided, multiple submitters, no conflicts (2 of 4 stars). 3 submissions from 3 submitters: Uncertain significance (3). Last evaluated 2026-01-23.

Conditions:
Holoprosencephaly 9 (HPE9). Also called: PITUITARY ANOMALIES WITH HOLOPROSENCEPHALY-LIKE FEATURES; HOLOPROSENCEPHALY WITH MICROPHTHALMIA AND FIRST BRANCHIAL ARCH ANOMALIES. Identifiers: Orphanet 2162, MedGen C1835819, MONDO:0012563, OMIM 610829.
Postaxial polydactyly-anterior pituitary anomalies-facial dysmorphism syndrome. Also called: Culler-Jones syndrome. Identifiers: Orphanet 420584, MedGen C4014479, MONDO:0014369, OMIM 615849.
Inborn genetic diseases. Identifiers: MedGen C0950123, MeSH D030342.

Allele frequency attached by ClinVar (database versions not stated): gnomAD exomes below 0.00001; TOPMed 0.00001.
gnomAD v4.1: 3 of 1,612,996 alleles (0.00019%); highest among the groups gnomAD compares: African/African-American, 0.0027%; no homozygotes.

Submissions (3):

Labcorp Genetics (formerly Invitae), Labcorp
Classification: Uncertain significance for Postaxial polydactyly-anterior pituitary anomalies-facial dysmorphism syndrome; Holoprosencephaly 9. Last evaluated: 2026-01-23. Review status: criteria provided, single submitter. Criteria: Invitae Variant Classification Sherloc (09022015). Collection method: clinical testing. Allele origin: germline.
Comment: This sequence change replaces alanine, which is neutral and non-polar, with valine, which is neutral and non-polar, at codon 1156 of the GLI2 protein (p.Ala1156Val). This variant is not present in population databases (gnomAD no frequency). This variant has not been reported in the literature in individuals affected with GLI2-related conditions. ClinVar contains an entry for this variant (Variation ID: 330987). Invitae Evidence Modeling of protein sequence and biophysical properties (such as structural, functional, and spatial information, amino acid conservation, physicochemical variation, residue mobility, and thermodynamic stability) indicates that this missense variant is not expected to disrupt GLI2 protein function with a negative predictive value of 80%. In summary, the available evidence is currently insufficient to determine the role of this variant in disease. Therefore, it has been classified as a Variant of Uncertain Significance.

Ambry Genetics
Classification: Uncertain significance for Inborn genetic diseases. Last evaluated: 2021-07-21. Review status: criteria provided, single submitter. Criteria: Ambry Variant Classification Scheme 2023. Collection method: clinical testing. Allele origin: germline.

Illumina Laboratory Services, Illumina
Classification: Uncertain significance for Holoprosencephaly 9. Last evaluated: 2018-01-12. Review status: criteria provided, single submitter. Criteria: ICSL Variant Classification Criteria 13 December 2019. Collection method: clinical testing. Allele origin: germline.

NM_001374353.1(GLI2):c.3416C>T (p.Ala1139Val)

Gene: GLI2 (GLI family zinc finger 2; plus strand). Cytogenetic location: 2q14.2.
Variant type: single nucleotide variant.
Coding change: c.3416C>T on transcript NM_001374353.1 (MANE Select); coding-DNA position 3416, C replaced by T.
Protein change: p.Ala1139Val; replaces alanine 1139 with valine.
Molecular consequence: missense variant.
Genome position (GRCh38, 1-based): chr2:120,989,381, C>T. VCF-style: chr2-120989381-C-T. GRCh37 (hg19) VCF-style: chr2-121746957-C-T.
Other names: c.3467C>T, p.Ala1156Val (NM_001371271.1, NM_005270.5); c.3041C>T, p.Ala1014Val (NM_001374354.1); short protein forms A1156V, A1014V, A1139V.
Identifiers: ClinVar variation 330987 (VCV000330987.8), dbSNP rs886054816, ClinGen allele CA10610696.